The following is an entry in ClinVar:

NM_015215.4(CAMTA1):c.3074C>T (p.Ser1025Phe)

Gene: CAMTA1 (calmodulin binding transcription activator 1; plus strand). Cytogenetic location: 1p36.23.
Variant type: single nucleotide variant.
Coding change: c.3074C>T on transcript NM_015215.4 (MANE Select); coding-DNA position 3074, C replaced by T.
Protein change: p.Ser1025Phe; replaces serine 1025 with phenylalanine.
Molecular consequence: missense variant.
Genome position (GRCh38, 1-based): chr1:7,736,351, C>T. VCF-style: chr1-7736351-C-T. GRCh37 (hg19) VCF-style: chr1-7796411-C-T.
Other names: c.2984C>T, p.Ser995Phe (NM_001349608.2, NM_001349612.2); c.3074C>T, p.Ser1025Phe (NM_001349609.2, NM_001349610.2, NM_001410737.1); c.203C>T, p.Ser68Phe (NM_001349613.1); c.146C>T, p.Ser49Phe (NM_001349614.1, NM_001349615.2, NM_001349616.2 and 10 more transcripts); c.3002C>T, p.Ser1001Phe (NM_001410738.1); short protein forms S1001F, S1025F, S49F, S68F, S995F.
Identifiers: ClinVar variation 3366140 (VCV003366140.1).
Genomic context (GRCh38, chr1:7,736,351, plus strand): 5'-TGGGGTCGAGGGCCTTTAGTCCTGAGGTCGTAACGTGCGCTTTTTTGTGACAGTGTGCTT[C>T]TGGGACTGGGGCCTTGGGGAGCTGCTTTGAGAGCCGTGTGGTCGTGGTATGCGAGAAGAT-3'
Protein context (NP_056030.1, residues 1015-1035): GNGGSQAQCA[Ser1025Phe]GTGALGSCFE

ClinVar aggregate classification (germline): Uncertain significance (1 of 4 stars; one submission).

gnomAD v4.1: 1 of 1,613,926 alleles (0.000062%); highest among the groups gnomAD compares: African/African-American, 0.0013%; no homozygotes.

Submission:

GeneDx
Classification: Uncertain significance. Last evaluated: 2023-10-15. Review status: criteria provided, single submitter. Criteria: GeneDx Variant Classification Process June 2021. Collection method: clinical testing. Allele origin: germline. Affected: yes.
Comment: Not observed at significant frequency in large population cohorts (gnomAD); In silico analysis supports that this missense variant has a deleterious effect on protein structure/function; Has not been previously published as pathogenic or benign to our knowledge